The following is an entry in ClinVar:

NM_000531.6(OTC):c.759del (p.Ala254fs)

Gene: OTC (ornithine transcarbamylase; plus strand). Cytogenetic location: Xp11.4.
Variant type: Deletion.
Coding change: c.759del on transcript NM_000531.6 (MANE Select); coding-DNA position 759, one base deleted (A; older notation c.759delA).
Protein change: p.Ala254fs; shifts the reading frame from alanine 254.
Molecular consequence: frameshift variant.
Genome position (GRCh38, 1-based): chrX:38,408,917, A deleted. VCF-style (leftmost placement, unchanged base first): chrX-38408916-CA-C. GRCh37 (hg19) VCF-style: chrX-38268169-CA-C.
Other names: short protein forms A254fs.
Identifiers: ClinVar variation 97311 (VCV000097311.2), dbSNP rs72558439, ClinGen allele CA224771.

ClinVar aggregate classification (germline): Pathogenic (0 of 4 stars; one submission).

Submission:

GenMed Metabolism Lab
Classification: Pathogenic. Review status: no assertion criteria provided. Collection method: not provided. Allele origin: unknown.
Comment: Frameshift, Neonatal
ClinVar note: Converted during submission from pathogenic to Pathogenic.